The following is an entry in ClinVar:

ClinVar aggregate classification (germline): Uncertain significance (1 of 4 stars; one submission).

Allele frequency attached by ClinVar (database versions not stated): gnomAD exomes below 0.00001.
gnomAD v4.1: 1 of 1,614,166 alleles (0.000062%); highest among the groups gnomAD compares: Non-Finnish European, 0.000085%; no homozygotes.

Submission:

GeneDx
Classification: Uncertain significance. Last evaluated: 2023-03-22. Review status: criteria provided, single submitter. Criteria: GeneDx Variant Classification Process June 2021. Collection method: clinical testing. Allele origin: germline. Affected: yes.
Comment: Has not been previously published as pathogenic or benign to our knowledge; Not observed at significant frequency in large population cohorts (gnomAD); In silico analysis supports that this missense variant does not alter protein structure/function

NM_002474.3(MYH11):c.1709A>G (p.Lys570Arg)

Gene: MYH11 (myosin heavy chain 11; minus strand). Cytogenetic location: 16p13.11.
Variant type: single nucleotide variant.
Coding change: c.1709A>G on transcript NM_002474.3 (MANE Select); coding-DNA position 1709, A replaced by G.
Protein change: p.Lys570Arg; replaces lysine 570 with arginine.
Molecular consequence: missense variant.
Genome position (GRCh38, 1-based): chr16:15,756,381, T>C on the plus strand (A>G on the coding strand, the complement: MYH11 is on the minus strand). VCF-style: chr16-15756381-T-C. GRCh37 (hg19) VCF-style: chr16-15850238-T-C.
Other names: c.1730A>G, p.Lys577Arg (NM_001040113.2, NM_001040114.2); c.1709A>G, p.Lys570Arg (NM_022844.3); short protein forms K570R, K577R.
Identifiers: ClinVar variation 2580617 (VCV002580617.1), dbSNP rs2506357930, ClinGen allele CA394870321.